The following is an entry in ClinVar:

NM_001040108.2(MLH3):c.549_550insG (p.Ser184fs)

Gene: MLH3 (mutL homolog 3; minus strand). Cytogenetic location: 14q24.3.
Variant type: Insertion.
Coding change: c.549_550insG on transcript NM_001040108.2 (MANE Select); coding-DNA positions 549 to 550, G inserted.
Protein change: p.Ser184fs; shifts the reading frame from serine 184.
Molecular consequence: frameshift variant.
Genome position: GRCh38 VCF-style: chr14-75049106-A-AC. GRCh37 (hg19) VCF-style: chr14-75515809-A-AC.
Other names: c.549_550insG, p.Ser184fs (NM_014381.3); short protein forms S184fs.
Identifiers: ClinVar variation 3232580 (VCV003232580.2), dbSNP rs2503324280, ClinGen allele CA2825002241.

ClinVar aggregate classification (germline): Pathogenic (1 of 4 stars; one submission).

Submission:

Ambry Genetics
Classification: Pathogenic. Last evaluated: 2026-06-03. Review status: criteria provided, single submitter. Criteria: Ambry Variant Classification Scheme 2023. Collection method: clinical testing. Allele origin: germline.
Comment: The c.549_550insG pathogenic mutation, located in coding exon 1 of the MLH3 gene, results from an insertion of one nucleotide at position 549, causing a translational frameshift with a predicted alternate stop codon (p.S184Vfs*9). This variant is considered to be rare based on population cohorts in the Genome Aggregation Database (gnomAD). This alteration is expected to result in loss of function by premature protein truncation or nonsense-mediated mRNA decay. As such, this alteration is interpreted as a disease-causing mutation.